The following is an entry in ClinVar:

NM_032383.5(HPS3):c.*613T>G

Genes: CP (ceruloplasmin; minus strand), HPS3 (HPS3 biogenesis of lysosomal organelles complex 2 subunit 1; plus strand). Cytogenetic location: 3q24.
Variant type: single nucleotide variant.
Coding change: c.*613T>G on transcript NM_032383.5 (MANE Select); 613 bases downstream of the stop codon, T replaced by G.
Molecular consequence: 3 prime UTR variant.
Genome position (GRCh38, 1-based): chr3:149,172,835, T>G. VCF-style: chr3-149172835-T-G. GRCh37 (hg19) VCF-style: chr3-148890622-T-G.
Other names: NC_000003.11:g.148890622T>G; c.*879A>C (NM_000096.4); c.*613T>G (NM_001308258.2).
Identifiers: ClinVar variation 343739 (VCV000343739.7), dbSNP rs144029944, ClinGen allele CA10617484.
Genomic context (GRCh38, chr3:149,172,835, plus strand): 5'-TGTTTCTCTGAATCAAATGAAGTAGAAGTTTACAAAGCTAACTTTCTTCTTGTCTAGCTA[T>G]TAACATGATTTGTCAAATGCATGTTTTTTTCAGCCAAAGCCTTGTTTCCATTTTTGTTGA-3'

ClinVar aggregate classification (germline): Likely benign (1 of 4 stars; one submission).

Conditions:
Hermansky-Pudlak syndrome 3 (HPS3). Identifiers: Orphanet 231512, Orphanet 79430, MedGen C3888001, MONDO:0013555, OMIM 614072.

Allele frequency attached by ClinVar (database versions not stated): gnomAD 0.00821 and 0.00863; TOPMed 0.00945; 1000 Genomes Project 0.00998; 1000 Genomes Project 30x 0.01202.

Submissions (2):

Illumina Laboratory Services, Illumina
Classification: Likely benign for Hermansky-Pudlak syndrome 3. Last evaluated: 2017-04-27. Review status: criteria provided, single submitter. Criteria: ICSL Variant Classification Criteria 13 December 2019. Collection method: clinical testing. Allele origin: germline.
Comment: This variant was observed as part of a predisposition screen in an ostensibly healthy population. A literature search was performed for the gene, cDNA change, and amino acid change (where applicable). No publications were found based on this search. Allele frequency data from public databases allowed determination this variant is unlikely to cause disease. Therefore, this variant is classified as likely benign.

Dr. Peter K. Rogan Lab, Western University
No classification provided (evidence only). Condition: Cervical cancer. Review status: no classification provided. Collection method: in vitro. Allele origin: not applicable. Functional consequence: retained intron. Not counted in ClinVar's aggregate classification.